The following is an entry in ClinVar:

ClinVar aggregate classification (germline): Uncertain significance (1 of 4 stars; one submission).

Submission:

Dasa
Classification: Uncertain significance. Last evaluated: 2024-08-09. Review status: criteria provided, single submitter. Criteria: DASA Assertion Criteria. Collection method: clinical testing. Allele origin: germline.
Comment: NM_001351295.2(ABCC8):c.1966T>G (p.Ser656Ala) is a missense variant that results in the substitution of serine with alanine. This variant is absent from population databases. The currently available literature and clinical evidence are not sufficient to establish a definitive association between this variant and the reported condition. Therefore, this variant is classified as a variant of uncertain significance.

NM_000352.6(ABCC8):c.1924-24T>G

Gene: ABCC8 (ATP binding cassette subfamily C member 8; minus strand). Cytogenetic location: 11p15.1.
Variant type: single nucleotide variant.
Coding change: c.1924-24T>G on transcript NM_000352.6 (MANE Select); 24 bases into the intron before coding-DNA position 1924, T replaced by G.
Molecular consequence: intron variant. On other transcripts: missense variant (1).
Genome position (GRCh38, 1-based): chr11:17,428,429, A>C on the plus strand (T>G on the coding strand, the complement: ABCC8 is on the minus strand). VCF-style: chr11-17428429-A-C. GRCh37 (hg19) VCF-style: chr11-17449976-A-C.
Other names: c.1966T>G, p.Ser656Ala (NM_001351295.2); c.1921-24T>G (NM_001351297.2, NM_001351296.2); c.1924-24T>G (NM_001287174.3); short protein forms S656A.
Identifiers: ClinVar variation 4885672 (VCV004885672.2).